The following is an entry in ClinVar:

NM_001122955.4(BSCL2):c.363G>T (p.Met121Ile)

Genes: BSCL2 (BSCL2 lipid droplet biogenesis associated, seipin; minus strand), HNRNPUL2-BSCL2 (HNRNPUL2-BSCL2 readthrough (NMD candidate); minus strand). Cytogenetic location: 11q12.3.
Variant type: single nucleotide variant.
Coding change: c.363G>T on transcript NM_001122955.4 (MANE Select); coding-DNA position 363, G replaced by T.
Protein change: p.Met121Ile; replaces methionine 121 with isoleucine.
Molecular consequence: missense variant. On other transcripts: non-coding transcript variant (1).
Genome position (GRCh38, 1-based): chr11:62,705,342, C>A on the plus strand (G>T on the coding strand, the complement: BSCL2 is on the minus strand). VCF-style: chr11-62705342-C-A. GRCh37 (hg19) VCF-style: chr11-62472814-C-A.
Other names: c.171G>T, p.Met57Ile (NM_001130702.2, NM_032667.6); c.363G>T, p.Met121Ile (NM_001386027.1, NM_001386028.1); short protein forms M121I, M57I.
Identifiers: ClinVar variation 1460699 (VCV001460699.8), dbSNP rs2134740499, ClinGen allele CA380970364.
Genomic context (GRCh38, chr11:62,705,342, plus strand): 5'-GATAGAAGGCCCCTCTCACCTGTAGTAGAAATGCACAGGGCTGAGGTGGCTGACTGTCGG[C>A]ATATAGGAATAGTAGAAGGAGCCATAGAGGAAGACAGACACCCAGAGCAAAAGGAGGATG-3'
Protein context (NP_001116427.1, residues 111-131): FLYGSFYYSY[Met121Ile]PTVSHLSPVH

ClinVar aggregate classification (germline): Uncertain significance (1 of 4 stars; one submission).

Conditions:
Charcot-Marie-Tooth disease type 2. Also called: Charcot-Marie-Tooth type 2. Identifiers: Orphanet 64746, MedGen C0270914, MONDO:0018993.

Submission:

Labcorp Genetics (formerly Invitae), Labcorp
Classification: Uncertain significance for Charcot-Marie-Tooth disease type 2. Last evaluated: 2021-06-09. Review status: criteria provided, single submitter. Criteria: Invitae Variant Classification Sherloc (09022015). Collection method: clinical testing. Allele origin: germline.
Comment: In summary, the available evidence is currently insufficient to determine the role of this variant in disease. Therefore, it has been classified as a Variant of Uncertain Significance. Algorithms developed to predict the effect of missense changes on protein structure and function are either unavailable or do not agree on the potential impact of this missense change (SIFT: "Deleterious"; PolyPhen-2: "Possibly Damaging"; Align-GVGD: "Class C0"). This variant has not been reported in the literature in individuals with BSCL2-related conditions. This variant is not present in population databases (ExAC no frequency). This sequence change replaces methionine with isoleucine at codon 57 of the BSCL2 protein (p.Met57Ile). The methionine residue is highly conserved and there is a small physicochemical difference between methionine and isoleucine.